The following is an entry in ClinVar:

ClinVar aggregate classification (germline): Pathogenic (1 of 4 stars; one submission).

Conditions:
Episodic kinesigenic dyskinesia (EKD). Also called: Paroxysmal kinesigenic dyskinesia. Identifiers: Orphanet 98809, MedGen C1868682, MONDO:0044202.

Submission:

Labcorp Genetics (formerly Invitae), Labcorp
Classification: Pathogenic for Episodic kinesigenic dyskinesia. Last evaluated: 2023-04-22. Review status: criteria provided, single submitter. Criteria: Invitae Variant Classification Sherloc (09022015). Collection method: clinical testing. Allele origin: germline.
Comment: This variant has not been reported in the literature in individuals affected with PRRT2-related conditions. This variant is not present in population databases (gnomAD no frequency). This sequence change creates a premature translational stop signal (p.Gln157*) in the PRRT2 gene. It is expected to result in an absent or disrupted protein product. Loss-of-function variants in PRRT2 are known to be pathogenic (PMID: 22623405, 22744660). For these reasons, this variant has been classified as Pathogenic.

Literature cited by the submitters: PubMed 22623405; PubMed 22744660.

NM_145239.3(PRRT2):c.469C>T (p.Gln157Ter)

Genes: MVP-DT (MVP divergent transcript; minus strand), PRRT2 (proline rich transmembrane protein 2; plus strand). Cytogenetic location: 16p11.2.
Variant type: single nucleotide variant.
Coding change: c.469C>T on transcript NM_145239.3 (MANE Select); coding-DNA position 469, C replaced by T.
Protein change: p.Gln157Ter; replaces glutamine 157 with a stop codon.
Molecular consequence: nonsense.
Genome position (GRCh38, 1-based): chr16:29,813,523, C>T. VCF-style: chr16-29813523-C-T. GRCh37 (hg19) VCF-style: chr16-29824844-C-T.
Other names: c.469C>T, p.Gln157Ter (NM_001256442.2, NM_001256443.2); short protein forms Q157*.
Identifiers: ClinVar variation 2858374 (VCV002858374.3), dbSNP rs1351701416, ClinGen allele CA395478764.
Genomic context (GRCh38, chr16:29,813,523, plus strand): 5'-GAGCCTGCTCCCCAACCAGACCCCCGGCCAGATTCCCAGCCTACCCCCAAGCCAGCCCTT[C>T]AACCAGAGCTCCCTACCCAGGAGGACCCCACCCCTGAGATTCTGTCTGAGAGTGTAGGGG-3'